The following is an entry in ClinVar:

NM_000077.5(CDKN2A):c.457+1G>A

Gene: CDKN2A (cyclin dependent kinase inhibitor 2A; minus strand). Cytogenetic location: 9p21.3.
Variant type: single nucleotide variant.
Coding change: c.457+1G>A on transcript NM_000077.5 (MANE Select); the canonical splice donor site of the intron after coding-DNA position 457, G replaced by A.
Molecular consequence: splice donor variant.
Genome position (GRCh38, 1-based): chr9:21,970,901, C>T on the plus strand (G>A on the coding strand, the complement: CDKN2A is on the minus strand). VCF-style: chr9-21970901-C-T. GRCh37 (hg19) VCF-style: chr9-21970900-C-T.
Other names: c.304+1G>A (NM_001363763.2); c.*101+1G>A (NM_058195.4); c.457+1G>A (NM_001195132.2); c.*380+1G>A (NM_058197.5).
Identifiers: ClinVar variation 635368 (VCV000635368.7), dbSNP rs1587330312, ClinGen allele CA373085806.

ClinVar aggregate classification (germline): Likely pathogenic (1 of 4 stars; one submission).
ClinVar aggregate classification (oncogenicity): Likely oncogenic (1 of 4 stars; one submission).

Conditions:
Hereditary cancer-predisposing syndrome. Also called: Tumor predisposition; Hereditary neoplastic syndrome; Neoplastic Syndromes, Hereditary; Hereditary Cancer Syndrome. Identifiers: Orphanet 140162, MedGen C0027672, MeSH D009386, MONDO:0015356.
Neoplasm. Also called: tumor; Neoplasms; Neoplasm (disease). Identifiers: MedGen C0027651, MeSH D009369, MONDO:0005070, HP:0002664.

Submissions (3):

Center for Genomic Medicine, Rigshospitalet, Copenhagen University Hospital
Classification: Likely oncogenic for Neoplasm. Last evaluated: 2025-03-04. Review status: criteria provided, single submitter. Criteria: ClinGen/CGC/VICC Guidelines for Oncogenicity, 2022. Collection method: clinical testing. Allele origin: somatic. Affected: yes.

Ambry Genetics
Classification: Likely pathogenic for Hereditary cancer-predisposing syndrome. Last evaluated: 2024-11-14. Review status: criteria provided, single submitter. Criteria: Ambry Variant Classification Scheme 2023. Collection method: clinical testing. Allele origin: germline.
Comment: The c.457+1G>A intronic variant results from a G to A substitution one nucleotide after coding exon 2 of the CDKN2A gene. This variant has been observed in individuals with a personal and/or family history that is consistent with CDKN2A-associated disease (Ambry internal data; Peris K et al. J Invest Dermatol, 2004 May;122:1327-30). As a note, this alteration is sometimes referred to as IVS2+1G>A in the published literature. This nucleotide position is highly conserved in available vertebrate species. In silico splice site analysis predicts that this alteration will weaken the native splice donor site. This alteration occurs at the 3' terminus of the CDKN2A gene, is not expected to trigger nonsense-mediated mRNA decay, and only impacts the last 17% of the protein. The exact functional effect of this alteration is unknown; however, a significant portion of the protein is affected (Ambry internal data). This variant is considered to be rare based on population cohorts in the Genome Aggregation Database (gnomAD). Alterations that disrupt the canonical splice site are expected to cause aberrant splicing, resulting in an abnormal protein or a transcript that is subject to nonsense-mediated mRNA decay. As such, this alteration is classified as likely pathogenic.

MutSpliceDB: a database of splice sites variants effects on splicing, NIH
No classification provided (evidence only). Review status: no classification provided. Collection method: in vitro. Allele origin: not applicable. Functional consequence: retained intron. Not counted in ClinVar's aggregate classification.

Literature cited by the submitters: PubMed 15140239 (cited by Ambry Genetics).